The following is an entry in ClinVar:

ClinVar aggregate classification (germline): Uncertain significance. Review status: criteria provided, multiple submitters, no conflicts (2 of 4 stars). 2 submissions from 2 submitters: Uncertain significance (2). Last evaluated 2023-09-23.

Conditions:
Hypertrophic cardiomyopathy 11. Also called: ACTC1-Related Familial Hypertrophic Cardiomyopathy. Identifiers: MedGen C2677506, MONDO:0012799, OMIM 612098.
Atrial septal defect 5 (ASD5). Identifiers: Orphanet 1478, MedGen C2748552, MONDO:0013011, OMIM 612794.
Dilated cardiomyopathy 1R (CMD1R). Identifiers: Orphanet 154, Orphanet 54260, MedGen C3150681, MONDO:0013261, OMIM 613424.

Submissions (2):

Labcorp Genetics (formerly Invitae), Labcorp
Classification: Uncertain significance for Dilated cardiomyopathy 1R; Hypertrophic cardiomyopathy 11; Atrial septal defect 5. Last evaluated: 2023-09-23. Review status: criteria provided, single submitter. Criteria: Invitae Variant Classification Sherloc (09022015). Collection method: clinical testing. Allele origin: germline.
Comment: This sequence change replaces tyrosine, which is neutral and polar, with asparagine, which is neutral and polar, at codon 364 of the ACTC1 protein (p.Tyr364Asn). This variant is not present in population databases (gnomAD no frequency). In summary, the available evidence is currently insufficient to determine the role of this variant in disease. Therefore, it has been classified as a Variant of Uncertain Significance. Advanced modeling of protein sequence and biophysical properties (such as structural, functional, and spatial information, amino acid conservation, physicochemical variation, residue mobility, and thermodynamic stability) performed at Invitae indicates that this missense variant is expected to disrupt ACTC1 protein function. ClinVar contains an entry for this variant (Variation ID: 452611). This variant has not been reported in the literature in individuals affected with ACTC1-related conditions.

GeneDx
Classification: Uncertain significance. Last evaluated: 2017-10-04. Review status: criteria provided, single submitter. Criteria: GeneDx Variant Classification (06012015). Collection method: clinical testing. Allele origin: germline. Affected: yes.
Comment: A variant of uncertain significance has been identified in the ACTC1 gene. The Y364N variant has not been published as pathogenic or been reported as benign to our knowledge. This variant is not observed in large population cohorts (Lek et al., 2016). The Y364N variant is a semi-conservative amino acid substitution, which may impact secondary protein structure as these residues differ in some properties. This substitution occurs at a position that is conserved across species, and in silico analysis predicts this variant is probably damaging to the protein structure/function. However, this variant lacks observation in a significant number of affected individuals, segregation data, and functional evidence, which would further clarify its pathogenicity.

NM_005159.5(ACTC1):c.1090T>A (p.Tyr364Asn)

Genes: ACTC1 (actin alpha cardiac muscle 1; minus strand), GJD2-DT (GJD2 divergent transcript; plus strand). Cytogenetic location: 15q14.
Variant type: single nucleotide variant.
Coding change: c.1090T>A on transcript NM_005159.5 (MANE Select); coding-DNA position 1090, T replaced by A.
Protein change: p.Tyr364Asn; replaces tyrosine 364 with asparagine.
Molecular consequence: missense variant.
Genome position (GRCh38, 1-based): chr15:34,790,456, A>T on the plus strand (T>A on the coding strand, the complement: ACTC1 is on the minus strand). VCF-style: chr15-34790456-A-T. GRCh37 (hg19) VCF-style: chr15-35082657-A-T.
Other names: c.1090T>A (LRG_388t1); short protein forms Y364N.
Identifiers: ClinVar variation 452611 (VCV000452611.5), dbSNP rs1555418631, ClinGen allele CA391628729.